The following is an entry in ClinVar:

ClinVar aggregate classification (germline): Likely pathogenic (1 of 4 stars; one submission).

Submission:

Labcorp Genetics (formerly Invitae), Labcorp
Classification: Likely pathogenic. Last evaluated: 2019-10-18. Review status: criteria provided, single submitter. Criteria: Invitae Variant Classification Sherloc (09022015). Collection method: clinical testing. Allele origin: germline.
Comment: This sequence change replaces glycine with serine at codon 44 of the NSDHL protein (p.Gly44Ser). The glycine residue is highly conserved and there is a small physicochemical difference between glycine and serine. This variant is not present in population databases (ExAC no frequency). This variant has been observed in individual(s) with CHILD syndrome (Invitae). In at least one individual the variant was observed to be de novo. Algorithms developed to predict the effect of missense changes on protein structure and function are either unavailable or do not agree on the potential impact of this missense change (SIFT: "Deleterious"; PolyPhen-2: "Probably Damaging"; Align-GVGD: "Class C0"). In summary, the currently available evidence indicates that the variant is pathogenic, but additional data are needed to prove that conclusively. Therefore, this variant has been classified as Likely Pathogenic.

NM_015922.3(NSDHL):c.130G>A (p.Gly44Ser)

Gene: NSDHL (NAD(P) dependent 3-beta-hydroxysteroid dehydrogenase NSDHL; plus strand). Cytogenetic location: Xq28.
Variant type: single nucleotide variant.
Coding change: c.130G>A on transcript NM_015922.3 (MANE Select); coding-DNA position 130, G replaced by A.
Protein change: p.Gly44Ser; replaces glycine 44 with serine.
Molecular consequence: missense variant.
Genome position (GRCh38, 1-based): chrX:152,850,286, G>A. VCF-style: chrX-152850286-G-A. GRCh37 (hg19) VCF-style: chrX-152018830-G-A.
Other names: c.130G>A, p.Gly44Ser (NM_001129765.2); short protein forms G44S.
Identifiers: ClinVar variation 958137 (VCV000958137.9), dbSNP rs1933335869, ClinGen allele CA415284216.
Genomic context (GRCh38, chrX:152,850,286, plus strand): 5'-ACTACCCTGGTCTTCCCCACCGTTCCTCTCTTTCCACAGGCCAAGAGATGCACAGTGATC[G>A]GTGGCTCTGGATTCCTGGGGCAGCACATGGTGGAGCAGTTGCTGGCAAGAGGATATGCTG-3'
Protein context (NP_057006.1, residues 34-54): QNQAKRCTVI[Gly44Ser]GSGFLGQHMV